The following is an entry in ClinVar:

NM_000702.4(ATP1A2):c.13-11_13-8del

Gene: ATP1A2 (ATPase Na+/K+ transporting subunit alpha 2; plus strand). Cytogenetic location: 1q23.2.
Variant type: Deletion.
Coding change: c.13-11_13-8del on transcript NM_000702.4 (MANE Select); 11 bases into the intron before coding-DNA position 13 through 8 bases into the intron before coding-DNA position 13, 4 bases deleted (TCCT; older notation c.13-11_13-8delTCCT).
Molecular consequence: intron variant.
Genome position (GRCh38, 1-based): chr1:160,120,895-160,120,898, TCCT deleted; deleting any 4 consecutive bases within chr1:160,120,892-160,120,898 gives the same sequence; the c. name uses the placement nearest the transcript's 3' end. VCF-style (leftmost placement, unchanged base first): chr1-160120891-CCCTT-C. GRCh37 (hg19) VCF-style: chr1-160090681-CCCTT-C.
Other names: NC_000001.10:g.160090685_160090688del; c.13-11_13-8delTCCT (NM_000702.3).
Identifiers: ClinVar variation 166705 (VCV000166705.24), dbSNP rs373796693, ClinGen allele CA295586.
Genomic context (GRCh38, chr1:160,120,891, plus strand): 5'-CCCTGGCTGAGTGGTGGGAATGGAGGCCCCAGCCCCTCTCTTCCCTGACTCTCTGGCTCT[CCCTT>C]CCTCCCTCAGGCTGGCCGTGAGTACTCACCTGCCGCCACCACGGCAGAGAATGGGGGCGG-3'

ClinVar aggregate classification (germline): Benign. Review status: criteria provided, multiple submitters, no conflicts (2 of 4 stars). 10 submissions from 7 submitters: Benign (10). Last evaluated 2026-02-04.

Conditions:
Migraine, familial hemiplegic, 2. Identifiers: Orphanet 569, MedGen C1865322, MONDO:0011232, OMIM 602481.
Alternating hemiplegia of childhood 1 (AHC1). Identifiers: Orphanet 2131, MedGen C3549447, MONDO:0007087, OMIM 104290.
Developmental and epileptic encephalopathy 98. Identifiers: MedGen C5562017, MONDO:0030472, OMIM 619605.
Fetal akinesia, respiratory insufficiency, microcephaly, polymicrogyria, and dysmorphic facies. Identifiers: MedGen C5562015, MONDO:0859204, OMIM 619602.
Familial hemiplegic migraine. Identifiers: MedGen C0338484, MONDO:0000700.

Submissions (11):

Labcorp Genetics (formerly Invitae), Labcorp
Classification: Benign for Familial hemiplegic migraine. Last evaluated: 2026-02-04. Review status: criteria provided, single submitter. Criteria: Invitae Variant Classification Sherloc (09022015). Collection method: clinical testing. Allele origin: germline.

Blueprint Genetics
Classification: Benign. Last evaluated: 2024-11-26. Review status: criteria provided, single submitter. Criteria: ACMG Guidelines, 2015. Collection method: clinical testing. Allele origin: germline.

Unidad de Genómica Garrahan, Hospital de Pediatría Garrahan
Classification: Benign. Last evaluated: 2024-07-15. Review status: criteria provided, single submitter. Criteria: ACMG Guidelines, 2015. Collection method: clinical testing. Allele origin: germline. Affected: no. Observed: 91 variant alleles.
Comment: This variant is classified as Benign based on local population frequency. This variant was detected in 98% of patients studied in a panel designed for Epileptic and Developmental Encephalopathy and Progressive Myoclonus Epilepsy. Number of patients: 91. Only high quality variants are reported.

Genome-Nilou Lab
Classification: Benign for Developmental and epileptic encephalopathy 98. Last evaluated: 2021-12-05. Review status: criteria provided, single submitter. Criteria: ACMG Guidelines, 2015. Collection method: clinical testing. Allele origin: germline. Affected: no.

Genome-Nilou Lab
Classification: Benign for Fetal akinesia, respiratory insufficiency, microcephaly, polymicrogyria, and dysmorphic facies. Last evaluated: 2021-12-05. Review status: criteria provided, single submitter. Criteria: ACMG Guidelines, 2015. Collection method: clinical testing. Allele origin: germline. Affected: no.

Genome-Nilou Lab
Classification: Benign for Migraine, familial hemiplegic, 2. Last evaluated: 2021-12-05. Review status: criteria provided, single submitter. Criteria: ACMG Guidelines, 2015. Collection method: clinical testing. Allele origin: germline. Affected: no.

Genome-Nilou Lab
Classification: Benign for Alternating hemiplegia of childhood 1. Last evaluated: 2021-07-14. Review status: criteria provided, single submitter. Criteria: ACMG Guidelines, 2015. Collection method: clinical testing. Allele origin: germline. Affected: no.

Eurofins Ntd Llc (ga)
Classification: Benign. Last evaluated: 2014-03-17. Review status: criteria provided, single submitter. Criteria: EGL Classification Definitions 2015. Collection method: clinical testing. Allele origin: germline. Observed: 1 variant allele, 1 homozygote.

GeneDx
Classification: Benign. Last evaluated: 2013-06-13. Review status: criteria provided, single submitter. Criteria: GeneDx Variant Classification (06012015). Collection method: clinical testing. Allele origin: germline. Affected: yes.
Comment: The variant is found in EPILEPSY panel(s).

PreventionGenetics, part of Exact Sciences
Classification: Benign. Review status: criteria provided, single submitter. Criteria: ACMG Guidelines, 2015. Collection method: clinical testing. Allele origin: germline.

Dr. Peter K. Rogan Lab, Western University
No classification provided (evidence only). Condition: Gastric cancer. Review status: no classification provided. Collection method: in vitro. Allele origin: not applicable. Functional consequence: retained intron. Not counted in ClinVar's aggregate classification.